The following is an entry in ClinVar:

ClinVar aggregate classification (germline): Pathogenic (1 of 4 stars; one submission).

Conditions:
Hereditary cancer-predisposing syndrome. Also called: Hereditary neoplastic syndrome; Neoplastic Syndromes, Hereditary; Tumor predisposition; Hereditary Cancer Syndrome. Identifiers: Orphanet 140162, MedGen C0027672, MeSH D009386, MONDO:0015356.

Submission:

Ambry Genetics
Classification: Pathogenic for Hereditary cancer-predisposing syndrome. Last evaluated: 2025-02-11. Review status: criteria provided, single submitter. Criteria: Ambry Variant Classification Scheme 2023. Collection method: clinical testing. Allele origin: germline.
Comment: The c.646_647delTT pathogenic mutation, located in coding exon 4 of the CHEK2 gene, results from a deletion of two nucleotides at nucleotide positions 646 to 647, causing a translational frameshift with a predicted alternate stop codon (p.L216Kfs*3). This variant is considered to be rare based on population cohorts in the Genome Aggregation Database (gnomAD). This alteration is expected to result in loss of function by premature protein truncation or nonsense-mediated mRNA decay. As such, this alteration is interpreted as a disease-causing mutation.

NM_007194.4(CHEK2):c.646_647del (p.Leu216fs)

Gene: CHEK2 (checkpoint kinase 2; minus strand). Cytogenetic location: 22q12.1.
Variant type: Deletion.
Coding change: c.646_647del on transcript NM_007194.4 (MANE Select); coding-DNA positions 646 to 647, 2 bases deleted (TT; older notation c.646_647delTT).
Protein change: p.Leu216fs; shifts the reading frame from leucine 216.
Molecular consequence: frameshift variant. On other transcripts: 5 prime UTR variant (2), intron variant (1).
Genome position (GRCh38, 1-based): chr22:28,719,431-28,719,432, AA deleted on the plus strand (TT on the coding strand, the reverse complement: CHEK2 is on the minus strand). VCF-style (leftmost placement, unchanged base first): chr22-28719430-TAA-T. GRCh37 (hg19) VCF-style: chr22-29115418-TAA-T.
Other names: c.775_776del, p.Leu259fs (NM_001005735.3, NM_001438294.1); c.-18_-17del (NM_001257387.3, NM_001437942.1); c.739_740del, p.Leu247fs (NM_001438293.1, NM_001438295.1); c.646_647del, p.Leu216fs (NM_145862.3); c.482+5454_482+5455del (NM_001349956.3); short protein forms L216fs, L259fs, L247fs.
Identifiers: ClinVar variation 3832939 (VCV003832939.1).
Genomic context (GRCh38, chr22:28,719,430, plus strand): 5'-GCATTTATATAAGAAAATAATTTACCTTCCAAGAGTTTTTGACATGATGTATTCATCTCT[TAA>T]TGCCTTAGGATAAACTGACTGATCATCTACAGTCAGATCAAAAAAGACAAAAACTAAGGA-3'